The following is an entry in ClinVar:

NM_138927.4(SON):c.5865C>A (p.Arg1955=)

Gene: SON (SON DNA and RNA binding protein; plus strand). Cytogenetic location: 21q22.11.
Variant type: single nucleotide variant.
Coding change: c.5865C>A on transcript NM_138927.4 (MANE Select); coding-DNA position 5865, C replaced by A.
Protein change: p.Arg1955=; no amino-acid change (arginine 1955 retained).
Molecular consequence: synonymous variant. On other transcripts: non-coding transcript variant (1), intron variant (1).
Genome position (GRCh38, 1-based): chr21:33,555,096, C>A. VCF-style: chr21-33555096-C-A. GRCh37 (hg19) VCF-style: chr21-34927402-C-A.
Other names: c.5865C>A, p.Arg1955= (NM_001291411.2, NM_001412133.1, NM_032195.3 and 2 more transcripts); c.245-2060C>A (NM_001291412.3).
Identifiers: ClinVar variation 2652623 (VCV002652623.27), dbSNP rs1417710619, ClinGen allele CA512339200.

ClinVar aggregate classification (germline): Likely benign. Review status: criteria provided, multiple submitters, no conflicts (2 of 4 stars). 2 submissions from 2 submitters: Likely benign (2). Last evaluated 2025-03-17.

Allele frequency attached by ClinVar (database versions not stated): gnomAD 0.00002; TOPMed 0.00002; gnomAD exomes 0.00003.
gnomAD v4.1: 22 of 1,536,608 alleles (0.0014%); highest among the groups gnomAD compares: African/African-American, 0.0014%; no homozygotes.

Submissions (2):

Labcorp Genetics (formerly Invitae), Labcorp
Classification: Likely benign. Last evaluated: 2025-03-17. Review status: criteria provided, single submitter. Criteria: Invitae Variant Classification Sherloc (09022015). Collection method: clinical testing. Allele origin: germline.

CeGaT Center for Human Genetics Tuebingen
Classification: Likely benign. Last evaluated: 2022-04-01. Review status: criteria provided, single submitter. Criteria: CeGaT Center For Human Genetics Tuebingen Variant Classification Criteria Version 2. Collection method: clinical testing. Allele origin: germline. Affected: yes. Observed: 1 variant allele.
Comment: SON: BP4, BP7